The following is an entry in ClinVar:

NM_052947.4(ALPK2):c.2380G>A (p.Glu794Lys)

Gene: ALPK2 (alpha kinase 2; minus strand). Cytogenetic location: 18q21.31.
Variant type: single nucleotide variant.
Coding change: c.2380G>A on transcript NM_052947.4 (MANE Select); coding-DNA position 2380, G replaced by A.
Protein change: p.Glu794Lys; replaces glutamic acid 794 with lysine.
Molecular consequence: missense variant.
Genome position (GRCh38, 1-based): chr18:58,537,807, C>T on the plus strand (G>A on the coding strand, the complement: ALPK2 is on the minus strand). VCF-style: chr18-58537807-C-T. GRCh37 (hg19) VCF-style: chr18-56205039-C-T.
Other names: short protein forms E794K.
Identifiers: ClinVar variation 2564061 (VCV002564061.2), dbSNP rs2518877766, ClinGen allele CA402570898.

ClinVar aggregate classification (germline): Uncertain significance (1 of 4 stars; one submission).

Submission:

Ambry Genetics
Classification: Uncertain significance. Last evaluated: 2023-04-25. Review status: criteria provided, single submitter. Criteria: Ambry Variant Classification Scheme 2023. Collection method: clinical testing. Allele origin: germline.
Comment: The p.E794K variant (also known as c.2380G>A), located in coding exon 4 of the ALPK2 gene, results from a G to A substitution at nucleotide position 2380. The glutamic acid at codon 794 is replaced by lysine, an amino acid with similar properties. This amino acid position is conserved. In addition, this alteration is predicted to be tolerated by in silico analysis. Since supporting evidence is limited at this time, the clinical significance of this alteration remains unclear.